The following is an entry in ClinVar:

NM_007327.4(GRIN1):c.92C>T (p.Ala31Val)

Gene: GRIN1 (glutamate ionotropic receptor NMDA type subunit 1; plus strand). Cytogenetic location: 9q34.3.
Variant type: single nucleotide variant.
Coding change: c.92C>T on transcript NM_007327.4 (MANE Select); coding-DNA position 92, C replaced by T.
Protein change: p.Ala31Val; replaces alanine 31 with valine.
Molecular consequence: missense variant.
Genome position (GRCh38, 1-based): chr9:137,139,578, C>T. VCF-style: chr9-137139578-C-T. GRCh37 (hg19) VCF-style: chr9-140034030-C-T.
Other names: c.92C>T, p.Ala31Val (NM_000832.7, NM_001185090.2, NM_001185091.2 and 1 more transcripts); short protein forms A31V.
Identifiers: ClinVar variation 3606293 (VCV003606293.2).

ClinVar aggregate classification (germline): Uncertain significance (1 of 4 stars; one submission).

Conditions:
Neurodevelopmental disorder with or without hyperkinetic movements and seizures, autosomal dominant. Also called: Intellectual disability, autosomal dominant 8. Identifiers: MedGen C3280282, MONDO:0013655, OMIM 614254.

gnomAD v4.1: 1 of 1,613,276 alleles (0.000062%); no homozygotes.

Submission:

Labcorp Genetics (formerly Invitae), Labcorp
Classification: Uncertain significance for Neurodevelopmental disorder with or without hyperkinetic movements and seizures, autosomal dominant. Last evaluated: 2024-11-25. Review status: criteria provided, single submitter. Criteria: Invitae Variant Classification Sherloc (09022015). Collection method: clinical testing. Allele origin: germline.
Comment: This sequence change replaces alanine, which is neutral and non-polar, with valine, which is neutral and non-polar, at codon 31 of the GRIN1 protein (p.Ala31Val). This variant is not present in population databases (gnomAD no frequency). This variant has not been reported in the literature in individuals affected with GRIN1-related conditions. Invitae Evidence Modeling of protein sequence and biophysical properties (such as structural, functional, and spatial information, amino acid conservation, physicochemical variation, residue mobility, and thermodynamic stability) indicates that this missense variant is not expected to disrupt GRIN1 protein function with a negative predictive value of 95%. In summary, the available evidence is currently insufficient to determine the role of this variant in disease. Therefore, it has been classified as a Variant of Uncertain Significance.